The following is an entry in ClinVar:

ClinVar aggregate classification (germline): Uncertain significance. Review status: criteria provided, multiple submitters, no conflicts (2 of 4 stars). 3 submissions from 3 submitters: Uncertain significance (2). 1 of the submissions does not count toward it. Last evaluated 2023-08-21.

Conditions:
Decreased circulating carnitine concentration. Also called: Decreased plasma carnitine. Identifiers: MedGen C5848230, HP:0003234.
Inborn genetic diseases. Identifiers: MedGen C0950123, MeSH D030342.
Renal carnitine transport defect (CDSP). Also called: Systemic primary carnitine deficiency disease; CARNITINE DEFICIENCY, SYSTEMIC, DUE TO DEFECT IN RENAL REABSORPTION OF CARNITINE; CARNITINE TRANSPORTER, PLASMA-MEMBRANE, DEFICIENCY OF; CARNITINE UPTAKE DEFECT; Carnitine transporter deficiency; Carnitine Deficiency, Systemic. Identifiers: Orphanet 158, MedGen C0342788, MONDO:0008919, OMIM 212140.

gnomAD v4.1: 5 of 1,614,114 alleles (0.00031%); highest among the groups gnomAD compares: Admixed American, 0.0033%; no homozygotes.

Submissions (3):

Ambry Genetics
Classification: Uncertain significance for Inborn genetic diseases. Last evaluated: 2023-08-21. Review status: criteria provided, single submitter. Criteria: Ambry Variant Classification Scheme 2023. Collection method: clinical testing. Allele origin: germline.

Labcorp Genetics (formerly Invitae), Labcorp
Classification: Uncertain significance for Renal carnitine transport defect. Last evaluated: 2021-08-31. Review status: criteria provided, single submitter. Criteria: Invitae Variant Classification Sherloc (09022015). Collection method: clinical testing. Allele origin: germline.
Comment: This sequence change replaces arginine with leucine at codon 298 of the SLC22A5 protein (p.Arg298Leu). The arginine residue is highly conserved and there is a moderate physicochemical difference between arginine and leucine. This variant is not present in population databases (ExAC no frequency). This variant has not been reported in the literature in individuals affected with SLC22A5-related conditions. Algorithms developed to predict the effect of missense changes on protein structure and function are either unavailable or do not agree on the potential impact of this missense change (SIFT: "Deleterious"; PolyPhen-2: "Benign"; Align-GVGD: "Class C25"). In summary, the available evidence is currently insufficient to determine the role of this variant in disease. Therefore, it has been classified as a Variant of Uncertain Significance.

Natera, Inc.
Classification: Uncertain significance for Carnitine deficiency. Last evaluated: 2021-03-04. Review status: no assertion criteria provided. Collection method: clinical testing. Allele origin: germline. Not counted in ClinVar's aggregate classification.

NM_003060.4(SLC22A5):c.893G>T (p.Arg298Leu)

Gene: SLC22A5 (solute carrier family 22 member 5; plus strand). Cytogenetic location: 5q31.1.
Variant type: single nucleotide variant.
Coding change: c.893G>T on transcript NM_003060.4 (MANE Select); coding-DNA position 893, G replaced by T.
Protein change: p.Arg298Leu; replaces arginine 298 with leucine.
Molecular consequence: missense variant.
Genome position (GRCh38, 1-based): chr5:132,387,093, G>T. VCF-style: chr5-132387093-G-T. GRCh37 (hg19) VCF-style: chr5-131722785-G-T.
Other names: c.893G>T (NM_003060.3); c.965G>T, p.Arg322Leu (NM_001308122.2); short protein forms R298L, R322L.
Identifiers: ClinVar variation 1062293 (VCV001062293.11), dbSNP rs747835354, ClinGen allele CA360805636.
Genomic context (GRCh38, chr5:132,387,093, plus strand): 5'-CTGAGTCCCCCCGATGGCTCATCTCTCAGGGACGATTTGAAGAGGCAGAGGTGATCATCC[G>T]CAAGGCTGCCAAAGCCAATGGGATTGTTGTGCCTTCCACTATCTTTGACCCGAGTGAGGT-3'
Protein context (NP_003051.1, residues 288-308): GRFEEAEVII[Arg298Leu]KAAKANGIVV